The following is an entry in ClinVar:

ClinVar aggregate classification (germline): Uncertain significance (1 of 4 stars; one submission).

Allele frequency attached by ClinVar (database versions not stated): gnomAD exomes below 0.00001.
gnomAD v4.1: 4 of 1,613,894 alleles (0.00025%); highest among the groups gnomAD compares: Non-Finnish European, 0.00034%; no homozygotes.

Submission:

GeneDx
Classification: Uncertain significance. Last evaluated: 2026-03-21. Review status: criteria provided, single submitter. Criteria: GeneDx Variant Classification Process June 2021. Collection method: clinical testing. Allele origin: germline.
Comment: Not observed at significant frequency in large population cohorts (gnomAD); In silico analysis supports that this missense variant has a deleterious effect on protein structure/function; Has not been previously published as pathogenic or benign to our knowledge

NM_001127222.2(CACNA1A):c.4694C>T (p.Pro1565Leu)

Gene: CACNA1A (calcium voltage-gated channel subunit alpha1 A; minus strand). Cytogenetic location: 19p13.13.
Variant type: single nucleotide variant.
Coding change: c.4694C>T on transcript NM_001127222.2 (MANE Select); coding-DNA position 4694, C replaced by T.
Protein change: p.Pro1565Leu; replaces proline 1565 with leucine.
Molecular consequence: missense variant.
Genome position (GRCh38, 1-based): chr19:13,255,156, G>A on the plus strand (C>T on the coding strand, the complement: CACNA1A is on the minus strand). VCF-style: chr19-13255156-G-A. GRCh37 (hg19) VCF-style: chr19-13365970-G-A.
Other names: c.4706C>T, p.Pro1569Leu (NM_000068.4, NM_023035.3); c.4697C>T, p.Pro1566Leu (NM_001127221.2, NM_001174080.2); short protein forms P1565L, P1566L, P1569L.
Identifiers: ClinVar variation 2502656 (VCV002502656.2), dbSNP rs2512728495, ClinGen allele CA404338451.